The following is an entry in ClinVar:

ClinVar aggregate classification (germline): Pathogenic (1 of 4 stars; one submission).

Conditions:
Hereditary cancer-predisposing syndrome. Also called: Neoplastic Syndromes, Hereditary; Tumor predisposition; Hereditary Cancer Syndrome; Hereditary neoplastic syndrome. Identifiers: Orphanet 140162, MedGen C0027672, MeSH D009386, MONDO:0015356.

Submission:

Ambry Genetics
Classification: Pathogenic for Hereditary cancer-predisposing syndrome. Last evaluated: 2019-12-24. Review status: criteria provided, single submitter. Criteria: Ambry Variant Classification Scheme 2023. Collection method: clinical testing. Allele origin: germline.
Comment: The c.3318delG pathogenic mutation, located in coding exon 22 of the ATM gene, results from a deletion of one nucleotide at nucleotide position 3318, causing a translational frameshift with a predicted alternate stop codon (p.R1106Sfs*3). This alteration is expected to result in loss of function by premature protein truncation or nonsense-mediated mRNA decay. As such, this alteration is interpreted as a disease-causing mutation.

NM_000051.4(ATM):c.3318del (p.Arg1106fs)

Gene: ATM (ATM serine/threonine kinase; plus strand). Cytogenetic location: 11q22.3.
Variant type: Deletion.
Coding change: c.3318del on transcript NM_000051.4 (MANE Select); coding-DNA position 3318, one base deleted (G; older notation c.3318delG).
Protein change: p.Arg1106fs; shifts the reading frame from arginine 1106.
Molecular consequence: frameshift variant.
Genome position (GRCh38, 1-based): chr11:108,279,524, G deleted; the last of 2 consecutive G bases (chr11:108,279,523-108,279,524); deleting either gives the same sequence. VCF-style (leftmost placement, unchanged base first): chr11-108279522-AG-A. GRCh37 (hg19) VCF-style: chr11-108150249-AG-A.
Other names: c.3318del, p.Arg1106fs (NM_001351834.2); short protein forms R1106fs.
Identifiers: ClinVar variation 1730155 (VCV001730155.2), dbSNP rs2546861948, ClinGen allele CA2580082965.